The following is an entry in ClinVar:

NM_000256.3(MYBPC3):c.3466G>T (p.Glu1156Ter)

Gene: MYBPC3 (myosin binding protein C3; minus strand). Cytogenetic location: 11p11.2.
Variant type: single nucleotide variant.
Coding change: c.3466G>T on transcript NM_000256.3 (MANE Select); coding-DNA position 3466, G replaced by T.
Protein change: p.Glu1156Ter; replaces glutamic acid 1156 with a stop codon.
Molecular consequence: nonsense.
Genome position (GRCh38, 1-based): chr11:47,332,838, C>A on the plus strand (G>T on the coding strand, the complement: MYBPC3 is on the minus strand). VCF-style: chr11-47332838-C-A. GRCh37 (hg19) VCF-style: chr11-47354389-C-A.
Other names: short protein forms E1156*.
Identifiers: ClinVar variation 2702912 (VCV002702912.3), dbSNP rs1555120359, ClinGen allele CA380313138.

ClinVar aggregate classification (germline): Pathogenic (1 of 4 stars; one submission).

Conditions:
Hypertrophic cardiomyopathy. Also called: HYPERTROPHIC MYOCARDIOPATHY. Identifiers: Orphanet 217569, MedGen C0007194, MeSH D002312, MONDO:0005045, HP:0001639.

Submission:

Labcorp Genetics (formerly Invitae), Labcorp
Classification: Pathogenic for Hypertrophic cardiomyopathy. Last evaluated: 2023-12-13. Review status: criteria provided, single submitter. Criteria: Invitae Variant Classification Sherloc (09022015). Collection method: clinical testing. Allele origin: germline.
Comment: This sequence change creates a premature translational stop signal (p.Glu1156*) in the MYBPC3 gene. It is expected to result in an absent or disrupted protein product. Loss-of-function variants in MYBPC3 are known to be pathogenic (PMID: 19574547). This variant is not present in population databases (gnomAD no frequency). This variant has not been reported in the literature in individuals affected with MYBPC3-related conditions. For these reasons, this variant has been classified as Pathogenic.

Literature cited by the submitters: PubMed 19574547.